The following is an entry in ClinVar:

ClinVar aggregate classification (germline): Benign. Review status: criteria provided, multiple submitters, no conflicts (2 of 4 stars). 2 submissions from 2 submitters: Benign (2). Last evaluated 2018-06-14.

Allele frequency attached by ClinVar (database versions not stated): 1000 Genomes Project 0.18031; 1000 Genomes Project 30x 0.18317; gnomAD exomes 0.23717; TOPMed 0.24494; gnomAD 0.25303 and 0.26058.
gnomAD v4.1: 242,351 of 1,014,264 alleles (24%); highest among the groups gnomAD compares: African/African-American, 30%; 31,390 homozygotes.

Submissions (2):

GeneDx
Classification: Benign. Last evaluated: 2018-06-14. Review status: criteria provided, single submitter. Criteria: GeneDx Variant Classification (06012015). Collection method: clinical testing. Allele origin: germline. Affected: yes.
Comment: This variant is considered likely benign or benign based on one or more of the following criteria: it is a conservative change, it occurs at a poorly conserved position in the protein, it is predicted to be benign by multiple in silico algorithms, and/or has population frequency not consistent with disease.

Breakthrough Genomics
Classification: Benign. Review status: criteria provided, single submitter. Criteria: ACMG Guidelines, 2015. Collection method: not provided. Allele origin: germline. Inheritance: Autosomal recessive inheritance. Affected: yes.

NM_153717.3(EVC):c.2895-114A>G

Gene: EVC (EvC ciliary complex subunit 1; plus strand). Cytogenetic location: 4p16.2.
Variant type: single nucleotide variant.
Coding change: c.2895-114A>G on transcript NM_153717.3 (MANE Select); 114 bases into the intron before coding-DNA position 2895, A replaced by G.
Molecular consequence: intron variant.
Genome position (GRCh38, 1-based): chr4:5,810,839, A>G. VCF-style: chr4-5810839-A-G. GRCh37 (hg19) VCF-style: chr4-5812566-A-G.
Other names: c.2895-117A>G (NM_001306090.2).
Identifiers: ClinVar variation 675096 (VCV000675096.2), dbSNP rs2279247, ClinGen allele CA11634329.